The following is an entry in ClinVar:

NM_015046.7(SETX):c.7007A>T (p.Asp2336Val)

Gene: SETX (senataxin; minus strand). Cytogenetic location: 9q34.13.
Variant type: single nucleotide variant.
Coding change: c.7007A>T on transcript NM_015046.7 (MANE Select); coding-DNA position 7007, A replaced by T.
Protein change: p.Asp2336Val; replaces aspartic acid 2336 with valine.
Molecular consequence: missense variant.
Genome position (GRCh38, 1-based): chr9:132,275,349, T>A on the plus strand (A>T on the coding strand, the complement: SETX is on the minus strand). VCF-style: chr9-132275349-T-A. GRCh37 (hg19) VCF-style: chr9-135150736-T-A.
Other names: c.7007A>T, p.Asp2336Val (NM_001351527.2, NM_001351528.2); short protein forms D2336V.
Identifiers: ClinVar variation 2937675 (VCV002937675.3), dbSNP rs1304234018, ClinGen allele CA375329328.

ClinVar aggregate classification (germline): Uncertain significance (1 of 4 stars; one submission).

Conditions:
Amyotrophic lateral sclerosis type 4 (ALS4). Also called: AMYOTROPHIC LATERAL SCLEROSIS 4, JUVENILE; NEURONOPATHY, DISTAL HEREDITARY MOTOR, WITH PYRAMIDAL FEATURES. Identifiers: Orphanet 357043, MedGen C1865409, MONDO:0011223, OMIM 602433.
Spinocerebellar ataxia, autosomal recessive, with axonal neuropathy 2 (SCAN2). Also called: Ataxia with Oculomotor Apraxia; ATAXIA-OCULOMOTOR APRAXIA 2; Ataxia-ocular apraxia-2; Ataxia with Oculomotor Apraxia Type 2. Identifiers: Orphanet 64753, MedGen C1853761, MONDO:0018996, OMIM 606002.

gnomAD v4.1: 1 of 1,611,986 alleles (0.000062%); no homozygotes.

Submission:

Labcorp Genetics (formerly Invitae), Labcorp
Classification: Uncertain significance for Amyotrophic lateral sclerosis type 4; Spinocerebellar ataxia, autosomal recessive, with axonal neuropathy 2. Last evaluated: 2023-12-14. Review status: criteria provided, single submitter. Criteria: Invitae Variant Classification Sherloc (09022015). Collection method: clinical testing. Allele origin: germline.
Comment: This sequence change replaces aspartic acid, which is acidic and polar, with valine, which is neutral and non-polar, at codon 2336 of the SETX protein (p.Asp2336Val). This variant is not present in population databases (gnomAD no frequency). This variant has not been reported in the literature in individuals affected with SETX-related conditions. Advanced modeling of protein sequence and biophysical properties (such as structural, functional, and spatial information, amino acid conservation, physicochemical variation, residue mobility, and thermodynamic stability) performed at Invitae indicates that this missense variant is not expected to disrupt SETX protein function with a negative predictive value of 95%. In summary, the available evidence is currently insufficient to determine the role of this variant in disease. Therefore, it has been classified as a Variant of Uncertain Significance.